The following is an entry in ClinVar:

NM_000543.5(SMPD1):c.1406A>G (p.Tyr469Cys)

Gene: SMPD1 (sphingomyelin phosphodiesterase 1; plus strand). Cytogenetic location: 11p15.4.
Variant type: single nucleotide variant.
Coding change: c.1406A>G on transcript NM_000543.5 (MANE Select); coding-DNA position 1406, A replaced by G.
Protein change: p.Tyr469Cys; replaces tyrosine 469 with cysteine.
Molecular consequence: missense variant. On other transcripts: non-coding transcript variant (2).
Genome position (GRCh38, 1-based): chr11:6,393,961, A>G. VCF-style: chr11-6393961-A-G. GRCh37 (hg19) VCF-style: chr11-6415191-A-G.
Other names: c.1403A>G, p.Tyr468Cys (NM_001007593.3); c.1406A>G, p.Tyr469Cys (NM_001318087.2); c.485A>G, p.Tyr162Cys (NM_001318088.2); c.1274A>G, p.Tyr425Cys (NM_001365135.2); short protein forms Y162C, Y425C, Y468C, Y469C.
Identifiers: ClinVar variation 992707 (VCV000992707.9), dbSNP rs267607074, ClinGen allele CA379375121.

ClinVar aggregate classification (germline): Pathogenic/Likely pathogenic. Review status: criteria provided, multiple submitters, no conflicts (2 of 4 stars). 4 submissions from 4 submitters: Pathogenic (1); Likely pathogenic (3). Last evaluated 2025-07-31.

Conditions:
Sphingomyelin/cholesterol lipidosis. Also called: Niemann-Pick disease. Identifiers: MedGen C0028064, MONDO:0001982.
Niemann-Pick disease, type A. Also called: Infantile Neurovisceral ASMD (Niemann-Pick Disease Type A; NPD-A); SPHINGOMYELIN LIPIDOSIS; SPHINGOMYELINASE DEFICIENCY. Identifiers: Orphanet 77292, MedGen C0268242, MONDO:0009756, OMIM 257200. Disease mechanism: loss of function.
Niemann-Pick disease, type B. Also called: Chronic Visceral ASMD (Niemann-Pick Disease Type B; NPD-B). Identifiers: Orphanet 77293, MedGen C0268243, MONDO:0011871, OMIM 607616. Disease mechanism: loss of function.

Submissions (4):

Women's Health and Genetics/Laboratory Corporation of America, LabCorp
Classification: Likely pathogenic for Sphingomyelin/cholesterol lipidosis. Last evaluated: 2025-07-31. Review status: criteria provided, single submitter. Criteria: LabCorp Variant Classification Summary - May 2015. Collection method: clinical testing. Allele origin: germline.
Comment: Variant summary: SMPD1 c.1406A>G (p.Tyr469Cys) results in a non-conservative amino acid change located in the metallophosphatase domain (IPR041805) of the encoded protein sequence. Algorithms developed to predict the effect of missense changes on protein structure and function all suggest that this variant is likely to be disruptive. The variant was absent in 251494 control chromosomes (gnomAD). c.1406A>G has been observed in individuals affected with Niemann-Pick Disease (Hu_2021). A different variant affecting the same codon has been classified as pathogenic by our lab (c.1406A>C, p.Tyr469Ser), supporting the critical relevance of codon 469 to SMPD1 protein function. To our knowledge, no experimental evidence demonstrating an impact on protein function has been reported. The following publication has been ascertained in the context of this evaluation (PMID: 33675270). ClinVar contains an entry for this variant (Variation ID: 992707). Based on the evidence outlined above, the variant was classified as likely pathogenic.

3billion
Classification: Pathogenic for Niemann-Pick disease, type B. Last evaluated: 2024-11-27. Review status: criteria provided, single submitter. Criteria: ACMG Guidelines, 2015. Collection method: clinical testing. Allele origin: germline. Affected: yes.
Comment: The variant is not observed in the gnomAD v4.1.0 dataset. Predicted Consequence/Location: Missense variant In silico tool predictions suggest damaging effect of the variant on gene or gene product [REVEL: 0.93 (>=0.6, sensitivity 0.68 and specificity 0.92); 3Cnet: 0.98 (>=0.6, sensitivity 0.72 and precision 0.9)]. The same nucleotide change resulting in the same amino acid change has been previously reported as pathogenic/likely pathogenic with strong evidence (ClinVar ID: VCV000992707 /PMID: 33675270). A different missense change at the same codon (p.Tyr469Ser) has been reported as pathogenic/likely pathogenic with strong evidence (ClinVar ID: VCV000002996 /PMID: 19405096). Therefore, this variant is classified as Pathogenic according to the recommendation of ACMG/AMP guideline.

Labcorp Genetics (formerly Invitae), Labcorp
Classification: Likely pathogenic for Niemann-Pick disease, type B; Niemann-Pick disease, type A. Last evaluated: 2021-11-19. Review status: criteria provided, single submitter. Criteria: Invitae Variant Classification Sherloc (09022015). Collection method: clinical testing. Allele origin: germline.
Comment: This variant is not present in population databases (gnomAD no frequency). In summary, the currently available evidence indicates that the variant is pathogenic, but additional data are needed to prove that conclusively. Therefore, this variant has been classified as Likely Pathogenic. This variant disrupts the p.Tyr469 amino acid residue in SMPD1. Other variant(s) that disrupt this residue have been determined to be pathogenic (PMID: 19405096, 30795770). This suggests that this residue is clinically significant, and that variants that disrupt this residue are likely to be disease-causing. Advanced modeling of protein sequence and biophysical properties (such as structural, functional, and spatial information, amino acid conservation, physicochemical variation, residue mobility, and thermodynamic stability) performed at Invitae indicates that this missense variant is expected to disrupt SMPD1 protein function. ClinVar contains an entry for this variant (Variation ID: 992707). This missense change has been observed in individual(s) with clinical features of Niemann-Pick disease (PMID: 33675270). This sequence change replaces tyrosine, which is neutral and polar, with cysteine, which is neutral and slightly polar, at codon 469 of the SMPD1 protein (p.Tyr469Cys).

Huiwen Zhang's lab, Shanghai Jiao Tong University School of Medicine, Xinhua Hospital
Classification: Likely pathogenic for Niemann-Pick disease, type A; Niemann-Pick disease, type B. Last evaluated: 2020-12-30. Review status: criteria provided, single submitter. Criteria: ACMG Guidelines, 2015. Collection method: clinical testing. Allele origin: inherited. Affected: yes.

Literature cited by the submitters: PubMed 33675270 (cited by 3 submitters); PubMed 19405096 (cited by 3billion and Labcorp Genetics (formerly Invitae), Labcorp); PubMed 30795770 (cited by Labcorp Genetics (formerly Invitae), Labcorp).